The following is an entry in ClinVar:

NM_001080414.4(CCDC88C):c.925C>T (p.Arg309Cys)

Gene: CCDC88C (coiled-coil and HOOK domain protein 88C; minus strand). Cytogenetic location: 14q32.11.
Variant type: single nucleotide variant.
Coding change: c.925C>T on transcript NM_001080414.4 (MANE Select); coding-DNA position 925, C replaced by T.
Protein change: p.Arg309Cys; replaces arginine 309 with cysteine.
Molecular consequence: missense variant.
Genome position (GRCh38, 1-based): chr14:91,338,130, G>A on the plus strand (C>T on the coding strand, the complement: CCDC88C is on the minus strand). VCF-style: chr14-91338130-G-A. GRCh37 (hg19) VCF-style: chr14-91804474-G-A.
Other names: short protein forms R309C.
Identifiers: ClinVar variation 1325520 (VCV001325520.3), dbSNP rs767030060, ClinGen allele CA7310049.

ClinVar aggregate classification (germline): Uncertain significance. Review status: criteria provided, multiple submitters, no conflicts (2 of 4 stars). 2 submissions from 2 submitters: Uncertain significance (2). Last evaluated 2022-10-13.

Conditions:
Hydrocephalus, nonsyndromic, autosomal recessive 1 (HYC1). Also called: Hydrocephalus, nonsyndromic, autosomal recessive; Congenital hydrocephalus 1. Identifiers: Orphanet 2185, MedGen C3887608, MONDO:0009360, OMIM 236600.

Allele frequency attached by ClinVar (database versions not stated): gnomAD exomes 0.00005; ExAC 0.00006; gnomAD 0.00020 and 0.00021; TOPMed 0.00026; 1000 Genomes Project 30x 0.00031.
gnomAD v4.1: 109 of 1,613,854 alleles (0.0068%); highest among the groups gnomAD compares: Admixed American, 0.062%; no homozygotes.

Submissions (2):

Labcorp Genetics (formerly Invitae), Labcorp
Classification: Uncertain significance. Last evaluated: 2022-10-13. Review status: criteria provided, single submitter. Criteria: Invitae Variant Classification Sherloc (09022015). Collection method: clinical testing. Allele origin: germline.
Comment: This sequence change replaces arginine, which is basic and polar, with cysteine, which is neutral and slightly polar, at codon 309 of the CCDC88C protein (p.Arg309Cys). This variant is present in population databases (rs767030060, gnomAD 0.02%). This variant has not been reported in the literature in individuals affected with CCDC88C-related conditions. ClinVar contains an entry for this variant (Variation ID: 1325520). Algorithms developed to predict the effect of missense changes on protein structure and function are either unavailable or do not agree on the potential impact of this missense change (SIFT: "Deleterious"; PolyPhen-2: "Probably Damaging"; Align-GVGD: "Class C0"). In summary, the available evidence is currently insufficient to determine the role of this variant in disease. Therefore, it has been classified as a Variant of Uncertain Significance.

New York Genome Center
Classification: Uncertain significance for Hydrocephalus, nonsyndromic, autosomal recessive 1. Last evaluated: 2020-06-11. Review status: criteria provided, single submitter. Criteria: NYGC Assertion Criteria 2020. Collection method: clinical testing. Allele origin: germline. Observed: 1 heterozygote. Study: CSER-NYCKidSeq.